The following is an entry in ClinVar:

ClinVar aggregate classification (germline): Uncertain significance (1 of 4 stars; one submission).

Conditions:
Neurofibromatosis, type 1 (NF1). Also called: Neurofibromatosis, type I; NEUROFIBROMATOSIS, TYPE I, SOMATIC; Peripheral type neurofibromatosis; VON RECKLINGHAUSEN DISEASE. Identifiers: Orphanet 636, MedGen C0027831, MONDO:0018975, OMIM 162200. Disease mechanism: loss of function.

Submission:

Labcorp Genetics (formerly Invitae), Labcorp
Classification: Uncertain significance for Neurofibromatosis, type 1. Last evaluated: 2023-05-09. Review status: criteria provided, single submitter. Criteria: Invitae Variant Classification Sherloc (09022015). Collection method: clinical testing. Allele origin: germline.
Comment: This sequence change replaces glutamic acid, which is acidic and polar, with glutamine, which is neutral and polar, at codon 1198 of the NF1 protein (p.Glu1198Gln). In summary, the available evidence is currently insufficient to determine the role of this variant in disease. Therefore, it has been classified as a Variant of Uncertain Significance. Advanced modeling of protein sequence and biophysical properties (such as structural, functional, and spatial information, amino acid conservation, physicochemical variation, residue mobility, and thermodynamic stability) performed at Invitae indicates that this missense variant is expected to disrupt NF1 protein function. This variant has not been reported in the literature in individuals affected with NF1-related conditions. This variant is not present in population databases (gnomAD no frequency).

NM_001042492.3(NF1):c.3592G>C (p.Glu1198Gln)

Gene: NF1 (neurofibromin 1; plus strand). Cytogenetic location: 17q11.2.
Variant type: single nucleotide variant.
Coding change: c.3592G>C on transcript NM_001042492.3 (MANE Select); coding-DNA position 3592, G replaced by C.
Protein change: p.Glu1198Gln; replaces glutamic acid 1198 with glutamine.
Molecular consequence: missense variant.
Genome position (GRCh38, 1-based): chr17:31,233,097, G>C. VCF-style: chr17-31233097-G-C. GRCh37 (hg19) VCF-style: chr17-29560115-G-C.
Other names: c.3592G>C, p.Glu1198Gln (NM_000267.4); short protein forms E1198Q.
Identifiers: ClinVar variation 2862948 (VCV002862948.3), dbSNP rs2151435532, ClinGen allele CA398990215.